The following is an entry in ClinVar:

NM_001112732.3(MCF2L):c.753G>A (p.Ala251=)

Gene: MCF2L (MCF.2 cell line derived transforming sequence like; plus strand). Cytogenetic location: 13q34.
Variant type: single nucleotide variant.
Coding change: c.753G>A on transcript NM_001112732.3 (MANE Select); coding-DNA position 753, G replaced by A.
Protein change: p.Ala251=; no amino-acid change (alanine 251 retained).
Molecular consequence: synonymous variant.
Genome position (GRCh38, 1-based): chr13:113,065,082, G>A. VCF-style: chr13-113065082-G-A. GRCh37 (hg19) VCF-style: chr13-113719396-G-A.
Other names: c.747G>A, p.Ala249= (NM_001320815.2, NM_001320817.2, NM_024979.5); c.765G>A, p.Ala255= (NM_001320816.2); c.666G>A, p.Ala222= (NM_001366644.2); c.639G>A, p.Ala213= (NM_001366645.2, NM_001366646.2).
Identifiers: ClinVar variation 2643974 (VCV002643974.24), dbSNP rs377408964, ClinGen allele CA7058518.

ClinVar aggregate classification (germline): Likely benign (1 of 4 stars; one submission).

Allele frequency attached by ClinVar (database versions not stated): ExAC 0.00008; gnomAD 0.00011; gnomAD exomes 0.00011; ESP Exome Variant Server 0.00015.
gnomAD v4.1: 171 of 1,607,254 alleles (0.011%); highest among the groups gnomAD compares: Non-Finnish European, 0.013%; no homozygotes.

Submission:

CeGaT Center for Human Genetics Tuebingen
Classification: Likely benign. Last evaluated: 2022-03-01. Review status: criteria provided, single submitter. Criteria: CeGaT Center For Human Genetics Tuebingen Variant Classification Criteria Version 2. Collection method: clinical testing. Allele origin: germline. Affected: yes. Observed: 1 variant allele.
Comment: MCF2L: BP4, BP7